The following is an entry in ClinVar:

NM_001136191.3(KANK2):c.896C>T (p.Ala299Val)

Gene: KANK2 (KN motif and ankyrin repeat domains 2; minus strand). Cytogenetic location: 19p13.2.
Variant type: single nucleotide variant.
Coding change: c.896C>T on transcript NM_001136191.3 (MANE Select); coding-DNA position 896, C replaced by T.
Protein change: p.Ala299Val; replaces alanine 299 with valine.
Molecular consequence: missense variant.
Genome position (GRCh38, 1-based): chr19:11,193,184, G>A on the plus strand (C>T on the coding strand, the complement: KANK2 is on the minus strand). VCF-style: chr19-11193184-G-A. GRCh37 (hg19) VCF-style: chr19-11303860-G-A.
Other names: c.896C>T, p.Ala299Val (NM_001329451.2, NM_001379548.1, NM_001379549.1 and 15 more transcripts); short protein forms A299V.
Identifiers: ClinVar variation 3719427 (VCV003719427.2).

ClinVar aggregate classification (germline): Uncertain significance (1 of 4 stars; one submission).

Submission:

Labcorp Genetics (formerly Invitae), Labcorp
Classification: Uncertain significance. Last evaluated: 2024-05-09. Review status: criteria provided, single submitter. Criteria: Invitae Variant Classification Sherloc (09022015). Collection method: clinical testing. Allele origin: germline.
Comment: This sequence change replaces alanine, which is neutral and non-polar, with valine, which is neutral and non-polar, at codon 299 of the KANK2 protein (p.Ala299Val). This variant is present in population databases (rs151172378, gnomAD 0.01%). This variant has not been reported in the literature in individuals affected with KANK2-related conditions. An algorithm developed to predict the effect of missense changes on protein structure and function (PolyPhen-2) suggests that this variant is likely to be disruptive. In summary, the available evidence is currently insufficient to determine the role of this variant in disease. Therefore, it has been classified as a Variant of Uncertain Significance.